The following is an entry in ClinVar:

NM_001042545.2(LTBP4):c.1515C>T (p.Cys505=)

Gene: LTBP4 (latent transforming growth factor beta binding protein 4; plus strand). Cytogenetic location: 19q13.2.
Variant type: single nucleotide variant.
Coding change: c.1515C>T on transcript NM_001042545.2 (MANE Select); coding-DNA position 1515, C replaced by T.
Protein change: p.Cys505=; no amino-acid change (cysteine 505 retained).
Molecular consequence: synonymous variant.
Genome position (GRCh38, 1-based): chr19:40,609,618, C>T. VCF-style: chr19-40609618-C-T. GRCh37 (hg19) VCF-style: chr19-41115524-C-T.
Other names: c.1716C>T, p.Cys572= (NM_001042544.1); c.1605C>T, p.Cys535= (NM_003573.2).
Identifiers: ClinVar variation 3029788 (VCV003029788.2), dbSNP rs745497581, ClinGen allele CA507501802.
Genomic context (GRCh38, chr19:40,609,618, plus strand): 5'-CCCCCAGGTCTGCGGCCCAGGACGCTGCATTTCCCGGCCCAGCGGCTACACCTGCGCTTG[C>T]GACTCTGGCTTCCGGCTCAGCCCCCAGGGCACCCGATGCATTGGTGAGCAAGACGGAGGG-3'
Protein context (NP_001036010.1, residues 495-515): ISRPSGYTCA[Cys505=]DSGFRLSPQG

ClinVar aggregate classification (germline): Likely benign (0 of 4 stars; one submission).

Conditions:
LTBP4-related disorder. Also called: LTBP4-related condition.

Allele frequency attached by ClinVar (database versions not stated): gnomAD exomes below 0.00001; gnomAD 0.00001; TOPMed 0.00001.
gnomAD v4.1: 2 of 1,613,200 alleles (0.00012%); highest among the groups gnomAD compares: Non-Finnish European, 0.00017%; no homozygotes.

Submission:

PreventionGenetics, part of Exact Sciences
Classification: Likely benign for LTBP4-related condition. Last evaluated: 2023-12-01. Review status: no assertion criteria provided. Collection method: clinical testing. Allele origin: germline.
Comment: This variant is classified as likely benign based on ACMG/AMP sequence variant interpretation guidelines (Richards et al. 2015 PMID: 25741868, with internal and published modifications).